The following is an entry in ClinVar:

NM_000548.5(TSC2):c.5276C>T (p.Ala1759Val)

Gene: TSC2 (TSC complex subunit 2; plus strand). Cytogenetic location: 16p13.3.
Variant type: single nucleotide variant.
Coding change: c.5276C>T on transcript NM_000548.5 (MANE Select); coding-DNA position 5276, C replaced by T.
Protein change: p.Ala1759Val; replaces alanine 1759 with valine.
Molecular consequence: missense variant.
Genome position (GRCh38, 1-based): chr16:2,088,462, C>T. VCF-style: chr16-2088462-C-T. GRCh37 (hg19) VCF-style: chr16-2138463-C-T.
Other names: c.5075C>T, p.Ala1692Val (NM_001077183.3); c.5207C>T, p.Ala1736Val (NM_001114382.3); c.4967C>T, p.Ala1656Val (NM_001318827.2); c.4931C>T, p.Ala1644Val (NM_001318829.2); c.4544C>T, p.Ala1515Val (NM_001318831.2); c.5108C>T, p.Ala1703Val (NM_001318832.2); c.5078C>T, p.Ala1693Val (NM_001363528.2); c.5144C>T, p.Ala1715Val (NM_001370404.1); and 2 more; short protein forms A1759V, A1656V, A1703V, A1712V, A1715V, A1716V, A1736V, A1692V.
Identifiers: ClinVar variation 536110 (VCV000536110.19), dbSNP rs45477298, ClinGen allele CA054932.

ClinVar aggregate classification (germline): Conflicting classifications of pathogenicity. Review status: criteria provided, conflicting classifications (1 of 4 stars). 6 submissions from 6 submitters: Uncertain significance (2); Benign (2); Likely benign (2). Last evaluated 2026-01-20.

Conditions:
Hereditary cancer-predisposing syndrome. Also called: Neoplastic Syndromes, Hereditary; Tumor predisposition; Hereditary Cancer Syndrome; Hereditary neoplastic syndrome. Identifiers: Orphanet 140162, MedGen C0027672, MeSH D009386, MONDO:0015356.
Tuberous sclerosis syndrome (TSC). Also called: Tuberous Sclerosis Complex; Tuberous sclerosis. Identifiers: Orphanet 805, MedGen C0041341, MONDO:0001734.
Tuberous sclerosis 2 (TSC2). Identifiers: Orphanet 805, MedGen C1860707, MONDO:0013199, OMIM 613254.

Allele frequency attached by ClinVar (database versions not stated): gnomAD below 0.00001 and 0.00001; gnomAD exomes 0.00002 and 0.00004; ExAC 0.00004.
gnomAD v4.1: 31 of 1,612,756 alleles (0.0019%); highest among the groups gnomAD compares: South Asian, 0.03%; no homozygotes.

Submissions (6):

Labcorp Genetics (formerly Invitae), Labcorp
Classification: Benign for Tuberous sclerosis 2. Last evaluated: 2026-01-20. Review status: criteria provided, single submitter. Criteria: Invitae Variant Classification Sherloc (09022015). Collection method: clinical testing. Allele origin: germline.

Myriad Genetics, Inc.
Classification: Likely benign for Tuberous sclerosis 2. Last evaluated: 2024-08-23. Review status: criteria provided, single submitter. Criteria: Myriad Autosomal Dominant, Autosomal Recessive and X-Linked Classification Criteria (2023). Collection method: clinical testing. Allele origin: unknown.
Comment: This variant is considered likely benign. This variant has been observed at a population frequency that is significantly greater than expected given the associated disease prevalence and penetrance.

All of Us Research Program, National Institutes of Health
Classification: Uncertain significance for Tuberous sclerosis syndrome. Last evaluated: 2023-10-06. Review status: criteria provided, single submitter. Criteria: ACMG Guidelines, 2015. Collection method: clinical testing. Allele origin: germline. Inheritance: Autosomal dominant inheritance. Observed: 1 variant allele, 1 heterozygote.
Comment: This missense variant replaces alanine with valine at codon 1759 of the TSC2 protein. Computational prediction is inconclusive regarding the impact of this variant on protein structure and function (internally defined REVEL score threshold 0.5 < inconclusive < 0.7, PMID: 27666373). To our knowledge, functional studies have not been reported for this variant. This variant has not been reported in individuals affected with TSC2-related disorders in the literature. This variant has been identified in 9/250260 chromosomes in the general population by the Genome Aggregation Database (gnomAD). The available evidence is insufficient to determine the role of this variant in disease conclusively. Therefore, this variant is classified as a Variant of Uncertain Significance.

This study involves interpretation of variants in research participants for the purpose of population health screening. Participant phenotype was not available at the time of variant classification. Additional details can be found in publication PMID: 35346344, PMCID: PMC8962531

Color Diagnostics, LLC DBA Color Health
Classification: Uncertain significance for Tuberous sclerosis syndrome. Last evaluated: 2023-09-20. Review status: criteria provided, single submitter. Criteria: ACMG Guidelines, 2015. Collection method: clinical testing. Allele origin: germline.
Comment: This missense variant replaces alanine with valine at codon 1759 of the TSC2 protein. Computational prediction is inconclusive regarding the impact of this variant on protein structure and function. To our knowledge, functional studies have not been reported for this variant. This variant has not been reported in individuals affected with TSC2-related disorders in the literature. This variant has been identified in 9/250260 chromosomes in the general population by the Genome Aggregation Database (gnomAD). The available evidence is insufficient to determine the role of this variant in disease conclusively. Therefore, this variant is classified as a Variant of Uncertain Significance.

Genome-Nilou Lab
Classification: Benign for Tuberous sclerosis 2. Last evaluated: 2021-11-07. Review status: criteria provided, single submitter. Criteria: ACMG Guidelines, 2015. Collection method: clinical testing. Allele origin: germline. Affected: no.

Ambry Genetics
Classification: Likely benign for Hereditary cancer-predisposing syndrome. Last evaluated: 2021-10-10. Review status: criteria provided, single submitter. Criteria: Ambry Variant Classification Scheme 2023. Collection method: clinical testing. Allele origin: germline.